The following is an entry in ClinVar:

ClinVar aggregate classification (germline): Benign/Likely benign. Review status: criteria provided, multiple submitters, no conflicts (2 of 4 stars). 9 submissions from 9 submitters: Benign (1); Likely benign (7). 1 of the submissions does not count toward it. Last evaluated 2026-03-01.

Conditions:
Cardiovascular phenotype. Identifiers: MedGen CN230736.
ACTN2-related disorder. Also called: ACTN2-related disorders; ACTN2 related condition.
Dilated cardiomyopathy 1AA (CMD1AA). Also called: Cardiomyopathy, dilated, 1AA, with or without LVNC; CARDIOMYOPATHY, DILATED, 1AA, WITH OR WITHOUT LEFT VENTRICULAR NONCOMPACTION; CARDIOMYOPATHY, FAMILIAL HYPERTROPHIC, 23, WITH OR WITHOUT LEFT VENTRICULAR NONCOMPACTION. Identifiers: Orphanet 154, MedGen C2677338, MONDO:0012808, OMIM 612158.
Primary familial hypertrophic cardiomyopathy (HCM). Identifiers: Orphanet 99739, MedGen C0949658, MeSH D024741, MONDO:0024573. Inheritance: Various modes of inheritance.
Cardiomyopathy (CMYO). Also called: Cardiomyopathies. Identifiers: Orphanet 167848, MedGen C0878544, MONDO:0004994, HP:0001638. Inheritance: Various modes of inheritance.

Allele frequency attached by ClinVar (database versions not stated): ExAC 0.00003; TOPMed 0.00005; gnomAD exomes 0.00006; 1000 Genomes Project 0.00020; 1000 Genomes Project 30x 0.00031.
gnomAD v4.1: 68 of 1,613,992 alleles (0.0042%); highest among the groups gnomAD compares: Admixed American, 0.015%; no homozygotes.

Submissions (9):

CeGaT Center for Human Genetics Tuebingen
Classification: Likely benign. Last evaluated: 2026-03-01. Review status: criteria provided, single submitter. Criteria: CeGaT Center For Human Genetics Tuebingen Variant Classification Criteria Version 2. Collection method: clinical testing. Allele origin: germline. Affected: yes. Observed: 1 variant allele.
Comment: ACTN2: BP4, BP7

Labcorp Genetics (formerly Invitae), Labcorp
Classification: Likely benign for Primary familial hypertrophic cardiomyopathy; Dilated cardiomyopathy 1AA. Last evaluated: 2025-12-10. Review status: criteria provided, single submitter. Criteria: Invitae Variant Classification Sherloc (09022015). Collection method: clinical testing. Allele origin: germline.

Molecular Diagnostic Laboratory for Inherited Cardiovascular Disease, Montreal Heart Institute
Classification: Likely benign. Last evaluated: 2025-04-09. Review status: criteria provided, single submitter. Criteria: ACMG Guidelines, 2015. Collection method: clinical testing. Allele origin: germline. Affected: no.
Comment: BP7

Ambry Genetics
Classification: Likely benign for Cardiovascular phenotype. Last evaluated: 2022-04-19. Review status: criteria provided, single submitter. Criteria: Ambry Variant Classification Scheme 2023. Collection method: clinical testing. Allele origin: germline.

Women's Health and Genetics/Laboratory Corporation of America, LabCorp
Classification: Benign. Last evaluated: 2021-06-07. Review status: criteria provided, single submitter. Criteria: LabCorp Variant Classification Summary - May 2015. Collection method: clinical testing. Allele origin: germline.

CHEO Genetics Diagnostic Laboratory, Children's Hospital of Eastern Ontario
Classification: Likely benign for Cardiomyopathy. Last evaluated: 2018-12-31. Review status: criteria provided, single submitter. Criteria: ACMG Guidelines, 2015. Collection method: clinical testing. Allele origin: germline.

GeneDx
Classification: Likely benign. Last evaluated: 2016-08-08. Review status: criteria provided, single submitter. Criteria: GeneDx Variant Classification (06012015). Collection method: clinical testing. Allele origin: germline. Affected: yes.
Comment: This variant is considered likely benign or benign based on one or more of the following criteria: it is a conservative change, it occurs at a poorly conserved position in the protein, it is predicted to be benign by multiple in silico algorithms, and/or has population frequency not consistent with disease.

Laboratory for Molecular Medicine, Mass General Brigham Personalized Medicine
Classification: Likely benign. Last evaluated: 2014-11-25. Review status: criteria provided, single submitter. Criteria: LMM Criteria. Collection method: clinical testing. Allele origin: germline. Observed: 1 variant allele.
Comment: p.Gly118Gly in exon 3 of ACTN2: This variant is not expected to have clinical si gnificance because it does not alter an amino acid residue and is not located wi thin the splice consensus sequence.

PreventionGenetics, part of Exact Sciences
Classification: Likely benign for ACTN2-related condition. Last evaluated: 2023-10-26. Review status: no assertion criteria provided. Collection method: clinical testing. Allele origin: germline. Not counted in ClinVar's aggregate classification.
Comment: This variant is classified as likely benign based on ACMG/AMP sequence variant interpretation guidelines (Richards et al. 2015 PMID: 25741868, with internal and published modifications).

NM_001103.4(ACTN2):c.354C>T (p.Gly118=)

Gene: ACTN2 (actinin alpha 2; plus strand). Cytogenetic location: 1q43.
Variant type: single nucleotide variant.
Coding change: c.354C>T on transcript NM_001103.4 (MANE Select); coding-DNA position 354, C replaced by T.
Protein change: p.Gly118=; no amino-acid change (glycine 118 retained).
Molecular consequence: synonymous variant. On other transcripts: 5 prime UTR variant (1).
Genome position (GRCh38, 1-based): chr1:236,719,006, C>T. VCF-style: chr1-236719006-C-T. GRCh37 (hg19) VCF-style: chr1-236882306-C-T.
Other names: c.354C>T, p.Gly118= (NM_001278343.2); c.-468C>T (NM_001278344.2).
Identifiers: ClinVar variation 180111 (VCV000180111.27), dbSNP rs539250948, ClinGen allele CA185834.